The following is an entry in ClinVar:

NM_001080453.3(INTS1):c.2521C>G (p.Pro841Ala)

Gene: INTS1 (integrator complex subunit 1; minus strand). Cytogenetic location: 7p22.3.
Variant type: single nucleotide variant.
Coding change: c.2521C>G on transcript NM_001080453.3 (MANE Select); coding-DNA position 2521, C replaced by G.
Protein change: p.Pro841Ala; replaces proline 841 with alanine.
Molecular consequence: missense variant.
Genome position (GRCh38, 1-based): chr7:1,487,445, G>C on the plus strand (C>G on the coding strand, the complement: INTS1 is on the minus strand). VCF-style: chr7-1487445-G-C. GRCh37 (hg19) VCF-style: chr7-1527081-G-C.
Other names: short protein forms P841A.
Identifiers: ClinVar variation 1309071 (VCV001309071.4), dbSNP rs771207576, ClinGen allele CA4119746.

ClinVar aggregate classification (germline): Uncertain significance. Review status: criteria provided, multiple submitters, no conflicts (2 of 4 stars). 3 submissions from 3 submitters: Uncertain significance (3). Last evaluated 2026-05-15.

Conditions:
Inborn genetic diseases. Identifiers: MedGen C0950123, MeSH D030342.

Allele frequency attached by ClinVar (database versions not stated): gnomAD 0.00025 and 0.00026; gnomAD exomes 0.00044 and 0.00045; TOPMed 0.00017; ExAC 0.00068.
gnomAD v4.1: 656 of 1,610,588 alleles (0.041%); highest among the groups gnomAD compares: Non-Finnish European, 0.053%; 2 homozygotes.

Submissions (3):

Women's Health and Genetics/Laboratory Corporation of America, LabCorp
Classification: Uncertain significance. Last evaluated: 2026-05-15. Review status: criteria provided, single submitter. Criteria: LabCorp Variant Classification Summary - May 2015. Collection method: clinical testing. Allele origin: germline.
Comment: Variant summary: INTS1 c.2521C>G (p.Pro841Ala) results in a non-conservative amino acid change in the encoded protein sequence. Algorithms developed to predict the effect of missense changes on protein structure and function are either unavailable or do not agree on the potential impact of this missense change. The variant allele was found at a frequency of 0.00045 in 242844 control chromosomes. This frequency is not significantly higher than estimated for disease-causing variants in INTS1, allowing no conclusion about variant significance. To our knowledge, no occurrence of c.2521C>G in individuals affected with INTS1-related conditions and no experimental evidence demonstrating its impact on protein function have been reported. ClinVar contains an entry for this variant (Variation ID: 1309071). Based on the evidence outlined above, the variant was classified as uncertain significance.

Ambry Genetics
Classification: Uncertain significance for Inborn genetic diseases. Last evaluated: 2024-08-14. Review status: criteria provided, single submitter. Criteria: Ambry Variant Classification Scheme 2023. Collection method: clinical testing. Allele origin: germline.

GeneDx
Classification: Uncertain significance. Last evaluated: 2019-10-22. Review status: criteria provided, single submitter. Criteria: GeneDx Variant Classification Process June 2021. Collection method: clinical testing. Allele origin: germline. Affected: yes.
Comment: In silico analysis, which includes protein predictors and evolutionary conservation, supports that this variant does not alter protein structure/function; Has not been previously published as pathogenic or benign to our knowledge